The following is an entry in ClinVar:

ClinVar aggregate classification (germline): Likely benign (1 of 4 stars; one submission).

Allele frequency attached by ClinVar (database versions not stated): gnomAD exomes below 0.00001.

Submission:

CeGaT Center for Human Genetics Tuebingen
Classification: Likely benign. Last evaluated: 2022-10-01. Review status: criteria provided, single submitter. Criteria: CeGaT Center For Human Genetics Tuebingen Variant Classification Criteria Version 2. Collection method: clinical testing. Allele origin: germline. Affected: yes. Observed: 1 variant allele.
Comment: MUC5B: PM2:Supporting, BP4, BP7

NM_002458.3(MUC5B):c.8496C>T (p.His2832=)

Genes: MUC5B (mucin 5B, oligomeric mucus/gel-forming; plus strand), MUC5B-AS1 (MUC5B antisense RNA 1; minus strand). Cytogenetic location: 11p15.5.
Variant type: single nucleotide variant.
Coding change: c.8496C>T on transcript NM_002458.3 (MANE Select); coding-DNA position 8496, C replaced by T.
Protein change: p.His2832=; no amino-acid change (histidine 2832 retained).
Molecular consequence: synonymous variant.
Genome position (GRCh38, 1-based): chr11:1,245,376, C>T. VCF-style: chr11-1245376-C-T. GRCh37 (hg19) VCF-style: chr11-1266606-C-T.
Identifiers: ClinVar variation 2641243 (VCV002641243.24), dbSNP rs2494222090, ClinGen allele CA472451362.